The following is an entry in ClinVar:

ClinVar aggregate classification (germline): Uncertain significance (1 of 4 stars; one submission).

gnomAD v4.1: 1 of 1,614,150 alleles (0.000062%); highest among the groups gnomAD compares: Non-Finnish European, 0.000085%; no homozygotes.

Submission:

Greenwood Genetic Center Diagnostic Laboratories, Greenwood Genetic Center
Classification: Uncertain significance. Last evaluated: 2025-06-10. Review status: criteria provided, single submitter. Criteria: ACMG Guidelines, 2015. Collection method: clinical testing. Allele origin: germline. Affected: yes.
Comment: PM2, PP2, PP3

NM_001256012.3(MYH10):c.2582G>A (p.Arg861Gln)

Genes: MYH10 (myosin heavy chain 10; minus strand), LOC126862486 (BRD4-independent group 4 enhancer GRCh37_chr17:8416542-8417741; plus strand). Cytogenetic location: 17p13.1.
Variant type: single nucleotide variant.
Coding change: c.2582G>A on transcript NM_001256012.3 (MANE Select); coding-DNA position 2582, G replaced by A.
Protein change: p.Arg861Gln; replaces arginine 861 with glutamine.
Molecular consequence: missense variant.
Genome position (GRCh38, 1-based): chr17:8,513,817, C>T on the plus strand (G>A on the coding strand, the complement: MYH10 is on the minus strand). VCF-style: chr17-8513817-C-T. GRCh37 (hg19) VCF-style: chr17-8417135-C-T.
Other names: c.2516G>A, p.Arg839Gln (NM_001256095.2); c.2519G>A, p.Arg840Gln (NM_001375266.1); c.2489G>A, p.Arg830Gln (NM_005964.5); short protein forms R830Q, R839Q, R840Q, R861Q.
Identifiers: ClinVar variation 4538297 (VCV004538297.1).